The following is an entry in ClinVar:

ClinVar aggregate classification (germline): Benign. Review status: criteria provided, multiple submitters, no conflicts (2 of 4 stars). 12 submissions from 12 submitters: Benign (10). 2 of the submissions do not count toward it. Last evaluated 2026-02-04.

Conditions:
Osteogenesis imperfecta type 6. Also called: Osteogenesis imperfecta, type VI. Identifiers: Orphanet 666, MedGen C3279564, MONDO:0013515, OMIM 613982.
Osteogenesis imperfecta (OI). Identifiers: Orphanet 666, MedGen C0029434, MeSH D010013, MONDO:0019019.

Allele frequency attached by ClinVar (database versions not stated): gnomAD exomes 0.60947; ExAC 0.61882; 1000 Genomes Project 0.62620; 1000 Genomes Project 30x 0.63492; gnomAD 0.67851 and 0.69033; TOPMed 0.69382; ESP Exome Variant Server 0.71183.
gnomAD v4.1: 1,023,654 of 1,613,816 alleles (63%); highest among the groups gnomAD compares: African/African-American, 84%; 329,446 homozygotes.

Submissions (12):

Labcorp Genetics (formerly Invitae), Labcorp
Classification: Benign. Last evaluated: 2026-02-04. Review status: criteria provided, single submitter. Criteria: Invitae Variant Classification Sherloc (09022015). Collection method: clinical testing. Allele origin: germline.

Blueprint Genetics
Classification: Benign. Last evaluated: 2024-11-28. Review status: criteria provided, single submitter. Criteria: ACMG Guidelines, 2015. Collection method: clinical testing. Allele origin: germline.

Mayo Clinic Laboratories, Mayo Clinic
Classification: Benign. Last evaluated: 2023-02-21. Review status: criteria provided, single submitter. Criteria: ACMG Guidelines, 2015. Collection method: clinical testing. Allele origin: germline. Observed: 111 variant alleles.
Comment: BA1

Genome Diagnostics Laboratory, The Hospital for Sick Children
Classification: Benign for Osteogenesis imperfecta. Last evaluated: 2022-07-18. Review status: criteria provided, single submitter. Criteria: ACMG Guidelines, 2015. Collection method: clinical testing. Allele origin: germline.

Women's Health and Genetics/Laboratory Corporation of America, LabCorp
Classification: Benign. Last evaluated: 2021-12-03. Review status: criteria provided, single submitter. Criteria: LabCorp Variant Classification Summary - May 2015. Collection method: clinical testing. Allele origin: germline.

Illumina Laboratory Services, Illumina
Classification: Benign for Osteogenesis imperfecta type 6. Last evaluated: 2018-03-06. Review status: criteria provided, single submitter. Criteria: ICSL Variant Classification Criteria 13 December 2019. Collection method: clinical testing. Allele origin: germline.
Comment: This variant was observed in the ICSL laboratory as part of a predisposition screen in an ostensibly healthy population. It had not been previously curated by ICSL or reported in the Human Gene Mutation Database (HGMD: prior to June 1st, 2018), and was therefore a candidate for classification through an automated scoring system. Utilizing variant allele frequency, disease prevalence and penetrance estimates, and inheritance mode, an automated score was calculated to assess if this variant is too frequent to cause the disease. Based on the score and internal cut-off values, a variant classified as benign is not then subjected to further curation. The score for this variant resulted in a classification of benign for this disease.

GeneDx
Classification: Benign. Last evaluated: 2017-07-07. Review status: criteria provided, single submitter. Criteria: GeneDx Variant Classification (06012015). Collection method: clinical testing. Allele origin: germline. Affected: yes.
Comment: This variant is considered likely benign or benign based on one or more of the following criteria: it is a conservative change, it occurs at a poorly conserved position in the protein, it is predicted to be benign by multiple in silico algorithms, and/or has population frequency not consistent with disease.

Eurofins Ntd Llc (ga)
Classification: Benign. Last evaluated: 2017-06-28. Review status: criteria provided, single submitter. Criteria: EGL Classification Definitions 2015. Collection method: clinical testing. Allele origin: germline. Observed: 1 variant allele, 1 homozygote.

Breakthrough Genomics
Classification: Benign. Review status: criteria provided, single submitter. Criteria: ACMG Guidelines, 2015. Collection method: not provided. Allele origin: germline. Inheritance: Autosomal recessive inheritance. Affected: yes.

Medical Molecular Genetics Department, National Research Center
Classification: Benign for Osteogenesis imperfecta, type VI. Review status: criteria provided, single submitter. Criteria: ACMG Guidelines, 2015. Collection method: clinical testing. Allele origin: unknown. Inheritance: Autosomal recessive inheritance. Observed: 10 variant alleles.

Diagnostic Laboratory, Department of Genetics, University Medical Center Groningen
Classification: Benign for Osteogenesis imperfecta type 6. Review status: no assertion criteria provided. Collection method: clinical testing. Allele origin: germline. Affected: yes. Study: VKGL Data-share Consensus. Not counted in ClinVar's aggregate classification.

Genome Diagnostics Laboratory, Amsterdam University Medical Center
Classification: Benign. Review status: no assertion criteria provided. Collection method: clinical testing. Allele origin: germline. Affected: yes. Study: VKGL Data-share Consensus. Not counted in ClinVar's aggregate classification.

NM_002615.7(SERPINF1):c.215C>T (p.Thr72Met)

Gene: SERPINF1 (serpin family F member 1; plus strand). Cytogenetic location: 17p13.3.
Variant type: single nucleotide variant.
Coding change: c.215C>T on transcript NM_002615.7 (MANE Select); coding-DNA position 215, C replaced by T.
Protein change: p.Thr72Met; replaces threonine 72 with methionine.
Molecular consequence: missense variant. On other transcripts: 5 prime UTR variant (1).
Genome position (GRCh38, 1-based): chr17:1,769,982, C>T. VCF-style: chr17-1769982-C-T. GRCh37 (hg19) VCF-style: chr17-1673276-C-T.
Other names: c.215C>T, p.Thr72Met (NM_001329903.2); c.-347C>T (NM_001329904.2); c.215C>T (NM_002615.6); short protein forms T72M.
Identifiers: ClinVar variation 322000 (VCV000322000.24), dbSNP rs1136287, ClinGen allele CA8274571.